The following is an entry in ClinVar:

NM_021098.3(CACNA1H):c.1973A>T (p.Glu658Val)

Gene: CACNA1H (calcium voltage-gated channel subunit alpha1 H; plus strand). Cytogenetic location: 16p13.3.
Variant type: single nucleotide variant.
Coding change: c.1973A>T on transcript NM_021098.3 (MANE Select); coding-DNA position 1973, A replaced by T.
Protein change: p.Glu658Val; replaces glutamic acid 658 with valine.
Molecular consequence: missense variant.
Genome position (GRCh38, 1-based): chr16:1,202,423, A>T. VCF-style: chr16-1202423-A-T. GRCh37 (hg19) VCF-style: chr16-1252423-A-T.
Other names: c.1973A>T, p.Glu658Val (NM_001005407.2); short protein forms E658V.
Identifiers: ClinVar variation 3747918 (VCV003747918.2).

ClinVar aggregate classification (germline): Uncertain significance (1 of 4 stars; one submission).

Conditions:
Idiopathic generalized epilepsy. Also called: Generalised epilepsy; EIG. Identifiers: MedGen C0270850, MONDO:0005579, OMIM 600669.
Hyperaldosteronism, familial, type IV (HALD4). Also called: FH IV; ALDOSTERONISM, PRIMARY, AND HYPERTENSION. Identifiers: Orphanet 642671, MedGen C4310756, MONDO:0014875, OMIM 617027.

Submission:

Labcorp Genetics (formerly Invitae), Labcorp
Classification: Uncertain significance for Idiopathic generalized epilepsy; Hyperaldosteronism, familial, type IV. Last evaluated: 2024-10-24. Review status: criteria provided, single submitter. Criteria: Invitae Variant Classification Sherloc (09022015). Collection method: clinical testing. Allele origin: germline.
Comment: This sequence change replaces glutamic acid, which is acidic and polar, with valine, which is neutral and non-polar, at codon 658 of the CACNA1H protein (p.Glu658Val). This variant is not present in population databases (gnomAD no frequency). This variant has not been reported in the literature in individuals affected with CACNA1H-related conditions. Invitae Evidence Modeling of protein sequence and biophysical properties (such as structural, functional, and spatial information, amino acid conservation, physicochemical variation, residue mobility, and thermodynamic stability) indicates that this missense variant is not expected to disrupt CACNA1H protein function with a negative predictive value of 80%. In summary, the available evidence is currently insufficient to determine the role of this variant in disease. Therefore, it has been classified as a Variant of Uncertain Significance.